The following is an entry in ClinVar:

ClinVar aggregate classification (germline): Pathogenic. Review status: criteria provided, multiple submitters, no conflicts (2 of 4 stars). 4 submissions from 4 submitters: Pathogenic (2). 2 of the submissions do not count toward it. Last evaluated 2026-04-24.

Conditions:
von Willebrand disease type 1 (VWD1). Also called: VON WILLEBRAND DISEASE, TYPE I; VWD, TYPE 1. Identifiers: Orphanet 166078, Orphanet 903, MedGen C1264039, MONDO:0008668, OMIM 193400. Inheritance: autosomal recessive or autosomal dominant.

Submissions (4):

GeneDx
Classification: Pathogenic. Last evaluated: 2026-04-24. Review status: criteria provided, single submitter. Criteria: GeneDx Variant Classification Process June 2021. Collection method: clinical testing. Allele origin: germline.
Comment: Nonsense variant predicted to result in protein truncation or nonsense mediated decay in a gene for which loss of function is a known mechanism of disease; Not observed at significant frequency in large population cohorts (gnomAD); This variant is associated with the following publications: (PMID: 35343054, 33556167, 7989040)

Institute of Human Genetics, University of Leipzig Medical Center
Classification: Pathogenic for von Willebrand disease type 1. Last evaluated: 2024-03-22. Review status: criteria provided, single submitter. Criteria: ACMG Guidelines, 2015. Collection method: clinical testing. Allele origin: paternal. Inheritance: Autosomal dominant inheritance. Affected: yes.
Comment: Criteria applied: PVS1,PS4_MOD,PM2_SUP

Zotz-Klimas Genetics Lab, MVZ Zotz Klimas
Classification: Likely pathogenic for von Willebrand disease type 1. Last evaluated: 2023-10-30. Review status: no assertion criteria provided. Collection method: clinical testing. Allele origin: germline. Affected: yes. Not counted in ClinVar's aggregate classification.

Academic Unit of Haematology, University of Sheffield
No classification provided. Review status: no classification provided. Collection method: not provided. Allele origin: not provided. Not counted in ClinVar's aggregate classification.

NM_000552.5(VWF):c.4636del (p.Met1545_Val1546insTer)

Gene: VWF (von Willebrand factor; minus strand). Cytogenetic location: 12p13.31.
Variant type: Deletion.
Coding change: c.4636del on transcript NM_000552.5 (MANE Select); coding-DNA position 4636, one base deleted (G; older notation c.4636delG).
Protein change: p.Met1545_Val1546insTer.
Molecular consequence: nonsense.
Genome position (GRCh38, 1-based): chr12:6,018,782, C deleted on the plus strand (G on the coding strand, the reverse complement: VWF is on the minus strand); the first of 2 consecutive C bases (chr12:6,018,782-6,018,783); deleting either gives the same sequence. VCF-style (leftmost placement, unchanged base first): chr12-6018781-AC-A. GRCh37 (hg19) VCF-style: chr12-6127947-AC-A.
Other names: c.4636del (NM_000552.3); c.4636delG (NM_000552.5).
Identifiers: ClinVar variation 100377 (VCV000100377.4), dbSNP rs267607345, ClinGen allele CA228630.